The following is an entry in ClinVar:

ClinVar aggregate classification (germline): Benign/Likely benign. Review status: criteria provided, multiple submitters, no conflicts (2 of 4 stars). 2 submissions from 2 submitters: Benign (1); Likely benign (1). Last evaluated 2024-10-28.

Conditions:
Familial spontaneous pneumothorax (PSP). Identifiers: Orphanet 2903, MedGen C1868193, MONDO:0008259, OMIM 173600.
Birt-Hogg-Dube syndrome 1 (BHD1). Also called: FIBROFOLLICULOMAS WITH TRICHODISCOMAS AND ACROCHORDONS. Identifiers: Orphanet 122, MedGen CN375946, MONDO:0800445, OMIM 135150.
Colorectal cancer. Also called: Colorectal cancer, somatic; Malignant Colorectal Neoplasm. Identifiers: MedGen C0346629, MONDO:0005575, OMIM 114500.
Nonpapillary renal cell carcinoma. Identifiers: Orphanet 422526, MedGen CN074294, MONDO:0007763, OMIM 144700.

gnomAD v4.1: 9 of 1,614,100 alleles (0.00056%); highest among the groups gnomAD compares: East Asian, 0.0022%; no homozygotes.

Submissions (2):

Myriad Genetics, Inc.
Classification: Benign for Birt-Hogg-Dube syndrome 1. Last evaluated: 2024-10-28. Review status: criteria provided, single submitter. Criteria: Myriad Autosomal Dominant, Autosomal Recessive and X-Linked Classification Criteria (2023). Collection method: clinical testing. Allele origin: unknown.
Comment: This variant is considered benign. This variant occurs in the non-coding 3' untranslated region of the gene, and is not expected to impact protein function.

Department of Pathology and Laboratory Medicine, Sinai Health System
Classification: Likely benign for Birt-Hogg-Dube syndrome 1; Colorectal cancer; Familial spontaneous pneumothorax; Nonpapillary renal cell carcinoma. Last evaluated: 2024-10-17. Review status: criteria provided, single submitter. Criteria: ACMG Guidelines, 2015. Collection method: clinical testing. Allele origin: germline.

NM_144997.7(FLCN):c.*3C>T

Gene: FLCN (folliculin; minus strand). Cytogenetic location: 17p11.2.
Variant type: single nucleotide variant.
Coding change: c.*3C>T on transcript NM_144997.7 (MANE Select); 3 bases downstream of the stop codon, C replaced by T.
Molecular consequence: 3 prime UTR variant.
Genome position (GRCh38, 1-based): chr17:17,213,652, G>A on the plus strand (C>T on the coding strand, the complement: FLCN is on the minus strand). VCF-style: chr17-17213652-G-A. GRCh37 (hg19) VCF-style: chr17-17116966-G-A.
Other names: c.*3C>T (NM_001353229.2, NM_001353230.2, NM_001353231.2).
Identifiers: ClinVar variation 3773020 (VCV003773020.2).
Genomic context (GRCh38, chr17:17,213,652, plus strand): 5'-CTCACGGGGCTGGAGGATCCTGTGGACAGCCATCCCTGTCTTTAGGCAGGTGTGTGTGAC[G>A]GGTCAGTTCCGAGACTCCGAGGCTGTGGGGCTGCGGACCGTGGACATGAGGTGTGACTTG-3'